The following is an entry in ClinVar:

ClinVar aggregate classification (germline): Pathogenic/Likely pathogenic. Review status: criteria provided, multiple submitters, no conflicts (2 of 4 stars). 5 submissions from 5 submitters: Pathogenic (4); Likely pathogenic (1). Last evaluated 2024-12-17.

Conditions:
Hereditary cancer-predisposing syndrome. Also called: Tumor predisposition; Neoplastic Syndromes, Hereditary; Hereditary Cancer Syndrome; Hereditary neoplastic syndrome. Identifiers: Orphanet 140162, MedGen C0027672, MeSH D009386, MONDO:0015356.
Hereditary diffuse gastric adenocarcinoma (HDGC). Also called: DIFFUSE GASTRIC AND LOBULAR BREAST CANCER SYNDROME. Identifiers: Orphanet 26106, MedGen C1708349, MONDO:0007648, OMIM 137215.
Familial cancer of breast. Also called: BREAST CANCER, FAMILIAL; Hereditary breast cancer; hereditary breast carcinoma. Identifiers: Orphanet 227535, MedGen C0346153, MONDO:0016419, OMIM 114480. Disease mechanism: loss of function.

Submissions (5):

Labcorp Genetics (formerly Invitae), Labcorp
Classification: Pathogenic for Hereditary diffuse gastric adenocarcinoma. Last evaluated: 2024-12-17. Review status: criteria provided, single submitter. Criteria: Invitae Variant Classification Sherloc (09022015). Collection method: clinical testing. Allele origin: germline.
Comment: This sequence change creates a premature translational stop signal (p.Glu58*) in the CDH1 gene. It is expected to result in an absent or disrupted protein product. Loss-of-function variants in CDH1 are known to be pathogenic (PMID: 15235021, 20373070). This variant is not present in population databases (gnomAD no frequency). This premature translational stop signal has been observed in individual(s) with signet ring cell carcinoma (PMID: 30935944). ClinVar contains an entry for this variant (Variation ID: 1778959). For these reasons, this variant has been classified as Pathogenic.

Baylor Genetics
Classification: Likely pathogenic for Familial cancer of breast. Last evaluated: 2023-06-15. Review status: criteria provided, single submitter. Criteria: ACMG Guidelines, 2015. Collection method: clinical testing. Allele origin: unknown.

Myriad Genetics, Inc.
Classification: Pathogenic for Hereditary diffuse gastric adenocarcinoma. Last evaluated: 2023-06-08. Review status: criteria provided, single submitter. Criteria: Myriad Autosomal Dominant, Autosomal Recessive and X-Linked Classification Criteria (2023). Collection method: clinical testing. Allele origin: unknown.
Comment: This variant is considered pathogenic. This variant creates a termination codon and is predicted to result in premature protein truncation.

Color Diagnostics, LLC DBA Color Health
Classification: Pathogenic for Hereditary cancer-predisposing syndrome. Last evaluated: 2022-08-08. Review status: criteria provided, single submitter. Criteria: ACMG Guidelines, 2015. Collection method: clinical testing. Allele origin: germline.
Comment: This variant changes 1 nucleotide in exon 3 of the CDH1 gene, creating a premature translation stop signal. This variant is expected to result in an absent or non-functional protein product. This variant has been reported in an individual with no history of diffuse gastric cancer but was found affected with signet ring cell carcinoma (SRCC) upon endoscopy (PMID: 30935944), and in several members of one family reporting no history of diffuse gastric cancer (PMID: 27064202). Clinical laboratories have classified numerous other truncations in exon 3 of CDH1 as pathogenic in ClinVar. This variant has not been identified in the general population by the Genome Aggregation Database (gnomAD). Loss of CDH1 function is a known mechanism of disease. Based on the available evidence, this variant is classified as Pathogenic.

Ambry Genetics
Classification: Pathogenic for Hereditary cancer-predisposing syndrome. Last evaluated: 2021-05-27. Review status: criteria provided, single submitter. Criteria: Ambry Variant Classification Scheme 2023. Collection method: clinical testing. Allele origin: germline.
Comment: The p.E58* pathogenic mutation (also known as c.172G>T), located in coding exon 3 of the CDH1 gene, results from a G to T substitution at nucleotide position 172. This changes the amino acid from a glutamic acid to a stop codon within coding exon 3. This alteration is expected to result in loss of function by premature protein truncation or nonsense-mediated mRNA decay. As such, this alteration is interpreted as a disease-causing mutation.

Literature cited by the submitters: PubMed 15235021 (cited by Labcorp Genetics (formerly Invitae), Labcorp); PubMed 20373070 (cited by Labcorp Genetics (formerly Invitae), Labcorp); PubMed 30935944 (cited by Labcorp Genetics (formerly Invitae), Labcorp and Color Diagnostics, LLC DBA Color Health); PubMed 27064202 (cited by Color Diagnostics, LLC DBA Color Health and Ambry Genetics).

NM_004360.5(CDH1):c.172G>T (p.Glu58Ter)

Gene: CDH1 (cadherin 1; plus strand). Cytogenetic location: 16q22.1.
Variant type: single nucleotide variant.
Coding change: c.172G>T on transcript NM_004360.5 (MANE Select); coding-DNA position 172, G replaced by T.
Protein change: p.Glu58Ter; replaces glutamic acid 58 with a stop codon.
Molecular consequence: nonsense. On other transcripts: 5 prime UTR variant (2).
Genome position (GRCh38, 1-based): chr16:68,801,678, G>T. VCF-style: chr16-68801678-G-T. GRCh37 (hg19) VCF-style: chr16-68835581-G-T.
Other names: c.172G>T, p.Glu58Ter (NM_001317184.2); c.-1444G>T (NM_001317185.2); c.-1648G>T (NM_001317186.2); short protein forms E58*.
Identifiers: ClinVar variation 1778959 (VCV001778959.9), dbSNP rs1060501234, ClinGen allele CA396457092.
Genomic context (GRCh38, chr16:68,801,678, plus strand): 5'-TCTTGTCTTTAATCTGTCCAATTTCCTAATCTCTGTGATTTCTGCCCTGCAGTGAATTTT[G>T]AAGATTGCACCGGTCGACAAAGGACAGCCTATTTTTCCCTCGACACCCGATTCAAAGTGG-3'